The following is an entry in ClinVar:

ClinVar aggregate classification (germline): Uncertain significance (1 of 4 stars; one submission).

Submission:

Labcorp Genetics (formerly Invitae), Labcorp
Classification: Uncertain significance. Last evaluated: 2024-06-25. Review status: criteria provided, single submitter. Criteria: Invitae Variant Classification Sherloc (09022015). Collection method: clinical testing. Allele origin: germline.
Comment: This sequence change replaces glutamic acid, which is acidic and polar, with glycine, which is neutral and non-polar, at codon 161 of the POLE protein (p.Glu161Gly). This variant is not present in population databases (gnomAD no frequency). This variant has not been reported in the literature in individuals affected with POLE-related conditions. ClinVar contains an entry for this variant (Variation ID: 1721778). Advanced modeling of protein sequence and biophysical properties (such as structural, functional, and spatial information, amino acid conservation, physicochemical variation, residue mobility, and thermodynamic stability) performed at Invitae indicates that this missense variant is not expected to disrupt POLE protein function with a negative predictive value of 80%. In summary, the available evidence is currently insufficient to determine the role of this variant in disease. Therefore, it has been classified as a Variant of Uncertain Significance.

NM_006231.4(POLE):c.482A>G (p.Glu161Gly)

Gene: POLE (DNA polymerase epsilon, catalytic subunit; minus strand). Cytogenetic location: 12q24.33.
Variant type: single nucleotide variant.
Coding change: c.482A>G on transcript NM_006231.4 (MANE Select); coding-DNA position 482, A replaced by G.
Protein change: p.Glu161Gly; replaces glutamic acid 161 with glycine.
Molecular consequence: missense variant.
Genome position (GRCh38, 1-based): chr12:132,679,593, T>C on the plus strand (A>G on the coding strand, the complement: POLE is on the minus strand). VCF-style: chr12-132679593-T-C. GRCh37 (hg19) VCF-style: chr12-133256179-T-C.
Other names: short protein forms E161G.
Identifiers: ClinVar variation 1721778 (VCV001721778.5), dbSNP rs2542188576, ClinGen allele CA387367282.